The following is an entry in ClinVar:

NM_000548.5(TSC2):c.5411C>A (p.Thr1804Asn)

Gene: TSC2 (TSC complex subunit 2; plus strand). Cytogenetic location: 16p13.3.
Variant type: single nucleotide variant.
Coding change: c.5411C>A on transcript NM_000548.5 (MANE Select); coding-DNA position 5411, C replaced by A.
Protein change: p.Thr1804Asn; replaces threonine 1804 with asparagine.
Molecular consequence: missense variant. On other transcripts: non-coding transcript variant (5).
Genome position (GRCh38, 1-based): chr16:2,088,597, C>A. VCF-style: chr16-2088597-C-A. GRCh37 (hg19) VCF-style: chr16-2138598-C-A.
Other names: c.5210C>A, p.Thr1737Asn (NM_001077183.3); c.5342C>A, p.Thr1781Asn (NM_001114382.3); c.5102C>A, p.Thr1701Asn (NM_001318827.2); c.5066C>A, p.Thr1689Asn (NM_001318829.2); c.4679C>A, p.Thr1560Asn (NM_001318831.2); c.5243C>A, p.Thr1748Asn (NM_001318832.2); c.5213C>A, p.Thr1738Asn (NM_001363528.2); c.5279C>A, p.Thr1760Asn (NM_001370404.1); and 27 more; short protein forms T1289N, T1312N, T1538N, T1560N, T1584N, T1718N, T1732N, T1738N.
Identifiers: ClinVar variation 3974705 (VCV003974705.1).

ClinVar aggregate classification (germline): Uncertain significance (1 of 4 stars; one submission).

Conditions:
Hereditary cancer-predisposing syndrome. Also called: Tumor predisposition; Hereditary neoplastic syndrome; Hereditary Cancer Syndrome; Neoplastic Syndromes, Hereditary. Identifiers: Orphanet 140162, MedGen C0027672, MeSH D009386, MONDO:0015356.

Submission:

Ambry Genetics
Classification: Uncertain significance for Hereditary cancer-predisposing syndrome. Last evaluated: 2025-06-09. Review status: criteria provided, single submitter. Criteria: Ambry Variant Classification Scheme 2023. Collection method: clinical testing. Allele origin: germline.
Comment: The p.T1804N variant (also known as c.5411C>A), located in coding exon 41 of the TSC2 gene, results from a C to A substitution at nucleotide position 5411. The threonine at codon 1804 is replaced by asparagine, an amino acid with similar properties. This amino acid position is conserved. In addition, the in silico prediction for this alteration is inconclusive. Based on the available evidence, the clinical significance of this variant remains unclear.